The following is an entry in ClinVar:

ClinVar aggregate classification (germline): Pathogenic (1 of 4 stars; one submission).

Conditions:
Ellis-van Creveld syndrome (EVC). Also called: Chondroectodermal dysplasia; MESOECTODERMAL DYSPLASIA. Identifiers: Orphanet 289, MedGen C0013903, MONDO:0009162, OMIM 225500.

Submission:

Myriad Genetics, Inc.
Classification: Pathogenic for Ellis-van Creveld syndrome. Last evaluated: 2025-11-13. Review status: criteria provided, single submitter. Criteria: Myriad Autosomal Dominant, Autosomal Recessive and X-Linked Classification Criteria (2023). Collection method: clinical testing. Allele origin: unknown.
Comment: NM_147127.4(EVC2):c.2574delC(F859Lfs*32) is a frameshift variant classified as pathogenic in the context of EVC2-related Ellis-van Creveld syndrome. F859Lfs*32 has not been observed in cases with relevant disease. Relevant functional assessments of this variant are not available in the literature. F859Lfs*32 has not been observed in referenced population frequency databases. In summary, NM_147127.4(EVC2):c.2574delC(F859Lfs*32) is a frameshift variant in a gene where loss of function is a known mechanism of disease and is predicted to disrupt protein function. Please note: this variant was assessed in the context of healthy population screening.

NM_147127.5(EVC2):c.2574del (p.Phe859fs)

Gene: EVC2 (EvC ciliary complex subunit 2; minus strand). Cytogenetic location: 4p16.2.
Variant type: Deletion.
Coding change: c.2574del on transcript NM_147127.5 (MANE Select); coding-DNA position 2574, one base deleted (C; older notation c.2574delC).
Protein change: p.Phe859fs; shifts the reading frame from phenylalanine 859.
Molecular consequence: frameshift variant.
Genome position (GRCh38, 1-based): chr4:5,618,610, G deleted on the plus strand (C on the coding strand, the reverse complement: EVC2 is on the minus strand). VCF-style (leftmost placement, unchanged base first): chr4-5618609-AG-A. GRCh37 (hg19) VCF-style: chr4-5620336-AG-A.
Other names: c.2334del, p.Phe779fs (NM_001166136.2); short protein forms F779fs, F859fs.
Identifiers: ClinVar variation 5004281 (VCV005004281.1).